The following is an entry in ClinVar:

ClinVar aggregate classification (germline): Uncertain significance (1 of 4 stars; one submission).

gnomAD v4.1: 1 of 1,614,142 alleles (0.000062%); highest among the groups gnomAD compares: Non-Finnish European, 0.000085%; no homozygotes.

Submission:

Dasa
Classification: Uncertain significance. Last evaluated: 2026-02-17. Review status: criteria provided, single submitter. Criteria: DASA Assertion Criteria. Collection method: clinical testing. Allele origin: germline.
Comment: NM_005236.3(ERCC4):c.2429C>A (p.Ala810Glu) is a missense variant that results in the substitution of alanine with glutamic acid. This variant is rare in population databases. The currently available literature and clinical evidence are not sufficient to establish a definitive association between this variant and the reported condition. Therefore, this variant is classified as a variant of uncertain significance.

NM_005236.3(ERCC4):c.2429C>A (p.Ala810Glu)

Gene: ERCC4 (ERCC excision repair 4, endonuclease catalytic subunit; plus strand). Cytogenetic location: 16p13.12.
Variant type: single nucleotide variant.
Coding change: c.2429C>A on transcript NM_005236.3 (MANE Select); coding-DNA position 2429, C replaced by A.
Protein change: p.Ala810Glu; replaces alanine 810 with glutamic acid.
Molecular consequence: missense variant.
Genome position (GRCh38, 1-based): chr16:13,948,025, C>A. VCF-style: chr16-13948025-C-A. GRCh37 (hg19) VCF-style: chr16-14041882-C-A.
Other names: short protein forms A810E.
Identifiers: ClinVar variation 5020710 (VCV005020710.1).